The following is an entry in ClinVar:

NM_013296.5(GPSM2):c.50G>A (p.Arg17His)

Gene: GPSM2 (G protein signaling modulator 2; plus strand). Cytogenetic location: 1p13.3.
Variant type: single nucleotide variant.
Coding change: c.50G>A on transcript NM_013296.5 (MANE Select); coding-DNA position 50, G replaced by A.
Protein change: p.Arg17His; replaces arginine 17 with histidine.
Molecular consequence: missense variant.
Genome position (GRCh38, 1-based): chr1:108,885,572, G>A. VCF-style: chr1-108885572-G-A. GRCh37 (hg19) VCF-style: chr1-109428194-G-A.
Other names: c.50G>A, p.Arg17His (NM_001321038.2, NM_001321039.3); short protein forms R17H.
Identifiers: ClinVar variation 1402146 (VCV001402146.6), dbSNP rs773654932, ClinGen allele CA982698.
Genomic context (GRCh38, chr1:108,885,572, plus strand): 5'-AATATGACTCGATGGAGGAAAATTTGATAAGCATGAGAGAAGACCATTCTTTTCATGTTC[G>A]TTACAGGTAAGACTATTGCTGTCTTAATGGATGACTTTTAATCCTTATTTTAAAGTGTTT-3'
Protein context (NP_037428.3, residues 7-27): SMREDHSFHV[Arg17His]YRMEASCLEL

ClinVar aggregate classification (germline): Uncertain significance (1 of 4 stars; one submission).

Allele frequency attached by ClinVar (database versions not stated): ExAC 0.00002; gnomAD 0.00001; gnomAD exomes 0.00002 and 0.00001; TOPMed 0.00002.
gnomAD v4.1: 33 of 1,573,634 alleles (0.0021%); highest among the groups gnomAD compares: African/African-American, 0.0027%; no homozygotes.

Submission:

Labcorp Genetics (formerly Invitae), Labcorp
Classification: Uncertain significance. Last evaluated: 2025-07-07. Review status: criteria provided, single submitter. Criteria: Invitae Variant Classification Sherloc (09022015). Collection method: clinical testing. Allele origin: germline.
Comment: This sequence change replaces arginine, which is basic and polar, with histidine, which is basic and polar, at codon 17 of the GPSM2 protein (p.Arg17His). This variant is present in population databases (rs773654932, gnomAD 0.004%). This variant has not been reported in the literature in individuals affected with GPSM2-related conditions. ClinVar contains an entry for this variant (Variation ID: 1402146). Invitae Evidence Modeling of protein sequence and biophysical properties (such as structural, functional, and spatial information, amino acid conservation, physicochemical variation, residue mobility, and thermodynamic stability) indicates that this missense variant is not expected to disrupt GPSM2 protein function with a negative predictive value of 80%. In summary, the available evidence is currently insufficient to determine the role of this variant in disease. Therefore, it has been classified as a Variant of Uncertain Significance.